The following is an entry in ClinVar:

ClinVar aggregate classification (germline): Conflicting classifications of pathogenicity. Review status: criteria provided, conflicting classifications (1 of 4 stars). 5 submissions from 5 submitters: Uncertain significance (1); Benign (2); Likely benign (2). Last evaluated 2026-06-01.

Conditions:
Congenital factor V deficiency. Also called: LABILE FACTOR DEFICIENCY; OWREN PARAHEMOPHILIA; PARAHEMOPHILIA; Hereditary factor V deficiency disease. Identifiers: Orphanet 326, MedGen C0015499, MONDO:0009210, OMIM 227400.
Factor V deficiency. Also called: Reduced coagulation factor V activity. Identifiers: Orphanet 326, MedGen C4317320, MONDO:0020586, HP:0003225.

Allele frequency attached by ClinVar (database versions not stated): gnomAD exomes 0.00043 and 0.00087; ExAC 0.00115; gnomAD 0.00369 and 0.00389; 1000 Genomes Project 0.00419; ESP Exome Variant Server 0.00431; 1000 Genomes Project 30x 0.00437.
gnomAD v4.1: 1,228 of 1,590,204 alleles (0.077%); highest among the groups gnomAD compares: African/African-American, 1.4%; 3 homozygotes.

Submissions (5):

CeGaT Center for Human Genetics Tuebingen
Classification: Likely benign. Last evaluated: 2026-06-01. Review status: criteria provided, single submitter. Criteria: CeGaT Center For Human Genetics Tuebingen Variant Classification Criteria Version 2. Collection method: clinical testing. Allele origin: germline. Affected: yes. Observed: 3 variant alleles.
Comment: F5: BP4

Labcorp Genetics (formerly Invitae), Labcorp
Classification: Benign for Congenital factor V deficiency. Last evaluated: 2026-02-03. Review status: criteria provided, single submitter. Criteria: Invitae Variant Classification Sherloc (09022015). Collection method: clinical testing. Allele origin: germline.

Mayo Clinic Laboratories, Mayo Clinic
Classification: Likely benign. Last evaluated: 2024-12-04. Review status: criteria provided, single submitter. Criteria: ACMG Guidelines, 2015. Collection method: clinical testing. Allele origin: germline. Observed: 1 variant allele.
Comment: BS1, BP4

GeneDx
Classification: Benign. Last evaluated: 2020-04-14. Review status: criteria provided, single submitter. Criteria: GeneDx Variant Classification Process June 2021. Collection method: clinical testing. Allele origin: germline. Affected: yes.
Comment: This variant is associated with the following publications: (PMID: 16484835, 17409764, 22995991)

Mendelics
Classification: Uncertain significance for Congenital factor V deficiency. Last evaluated: 2019-05-28. Review status: criteria provided, single submitter. Criteria: Mendelics Assertion Criteria 2017. Collection method: clinical testing. Allele origin: unknown.

Literature cited by the submitters: PubMed 16484835 (cited by Mayo Clinic Laboratories, Mayo Clinic); PubMed 17409764 (cited by Mayo Clinic Laboratories, Mayo Clinic).

NM_000130.5(F5):c.3845A>G (p.His1282Arg)

Gene: F5 (coagulation factor V; minus strand). Cytogenetic location: 1q24.2.
Variant type: single nucleotide variant.
Coding change: c.3845A>G on transcript NM_000130.5 (MANE Select); coding-DNA position 3845, A replaced by G.
Protein change: p.His1282Arg; replaces histidine 1282 with arginine.
Molecular consequence: missense variant.
Genome position (GRCh38, 1-based): chr1:169,541,245, T>C on the plus strand (A>G on the coding strand, the complement: F5 is on the minus strand). VCF-style: chr1-169541245-T-C. GRCh37 (hg19) VCF-style: chr1-169510483-T-C.
Other names: p.His1282Arg; short protein forms H1282R.
Identifiers: ClinVar variation 716053 (VCV000716053.36), dbSNP rs143333036, ClinGen allele CA1233811.